The following is an entry in ClinVar:

ClinVar aggregate classification (germline): Likely benign (1 of 4 stars; one submission).

Conditions:
EP300-related disorder. Also called: EP300-related condition; EP300-related disorders.

Submission:

PreventionGenetics, part of Exact Sciences
Classification: Likely benign for EP300-related condition. Last evaluated: 2025-02-07. Review status: criteria provided, single submitter. Criteria: ACMG Guidelines, 2015. Collection method: clinical testing. Allele origin: germline.
Comment: This variant is classified as likely benign based on ACMG/AMP sequence variant interpretation guidelines (Richards et al. 2015 PMID: 25741868, with internal and published modifications).

NM_001429.4(EP300):c.1392A>T (p.Ile464=)

Gene: EP300 (EP300 lysine acetyltransferase; plus strand). Cytogenetic location: 22q13.2.
Variant type: single nucleotide variant.
Coding change: c.1392A>T on transcript NM_001429.4 (MANE Select); coding-DNA position 1392, A replaced by T.
Protein change: p.Ile464=; no amino-acid change (isoleucine 464 retained).
Molecular consequence: synonymous variant.
Genome position (GRCh38, 1-based): chr22:41,131,497, A>T. VCF-style: chr22-41131497-A-T. GRCh37 (hg19) VCF-style: chr22-41527501-A-T.
Other names: c.1392A>T, p.Ile464= (NM_001362843.2).
Identifiers: ClinVar variation 5001713 (VCV005001713.1).